The following is an entry in ClinVar:

ClinVar aggregate classification (germline): Uncertain significance. Review status: criteria provided, multiple submitters, no conflicts (2 of 4 stars). 2 submissions from 2 submitters: Uncertain significance (2). Last evaluated 2022-05-13.

Conditions:
Chédiak-Higashi syndrome (CHS). Also called: Chediak-Higashi Syndrome. Identifiers: Orphanet 167, MedGen C0007965, MONDO:0008963, OMIM 214500.

Allele frequency attached by ClinVar (database versions not stated): gnomAD exomes 0.00001; TOPMed 0.00001; ExAC 0.00004.
gnomAD v4.1: 5 of 1,614,130 alleles (0.00031%); highest among the groups gnomAD compares: Admixed American, 0.0083%; no homozygotes.

Submissions (2):

Labcorp Genetics (formerly Invitae), Labcorp
Classification: Uncertain significance for Chédiak-Higashi syndrome. Last evaluated: 2022-05-13. Review status: criteria provided, single submitter. Criteria: Invitae Variant Classification Sherloc (09022015). Collection method: clinical testing. Allele origin: germline.
Comment: This sequence change replaces histidine, which is basic and polar, with arginine, which is basic and polar, at codon 3489 of the LYST protein (p.His3489Arg). This variant is present in population databases (rs763216711, gnomAD 0.01%). This variant has not been reported in the literature in individuals affected with LYST-related conditions. ClinVar contains an entry for this variant (Variation ID: 944645). Algorithms developed to predict the effect of missense changes on protein structure and function are either unavailable or do not agree on the potential impact of this missense change (SIFT: "Deleterious"; PolyPhen-2: "Probably Damaging"; Align-GVGD: "Class C0"). In summary, the available evidence is currently insufficient to determine the role of this variant in disease. Therefore, it has been classified as a Variant of Uncertain Significance.

Blueprint Genetics
Classification: Uncertain significance. Last evaluated: 2021-07-15. Review status: criteria provided, single submitter. Criteria: ACMG Guidelines, 2015. Collection method: clinical testing. Allele origin: germline.

NM_000081.4(LYST):c.10466A>G (p.His3489Arg)

Gene: LYST (lysosomal trafficking regulator; minus strand). Cytogenetic location: 1q42.3.
Variant type: single nucleotide variant.
Coding change: c.10466A>G on transcript NM_000081.4 (MANE Select); coding-DNA position 10466, A replaced by G.
Protein change: p.His3489Arg; replaces histidine 3489 with arginine.
Molecular consequence: missense variant.
Genome position (GRCh38, 1-based): chr1:235,697,181, T>C on the plus strand (A>G on the coding strand, the complement: LYST is on the minus strand). VCF-style: chr1-235697181-T-C. GRCh37 (hg19) VCF-style: chr1-235860481-T-C.
Other names: c.10466A>G, p.His3489Arg (NM_001301365.1); short protein forms H3489R.
Identifiers: ClinVar variation 944645 (VCV000944645.5), dbSNP rs763216711, ClinGen allele CA1465362.